The following is an entry in ClinVar:

NM_001267550.2(TTN):c.97795+12T>C

Genes: TTN-AS1 (TTN antisense RNA 1; plus strand), TTN (titin; minus strand). Cytogenetic location: 2q31.2.
Variant type: single nucleotide variant.
Coding change: c.97795+12T>C on transcript NM_001267550.2 (MANE Select); 12 bases into the intron after coding-DNA position 97795, T replaced by C.
Molecular consequence: intron variant.
Genome position (GRCh38, 1-based): chr2:178,541,270, A>G on the plus strand (T>C on the coding strand, the complement: TTN is on the minus strand). VCF-style: chr2-178541270-A-G. GRCh37 (hg19) VCF-style: chr2-179405997-A-G.
Other names: c.92872+12T>C (NM_001256850.1); c.70600+12T>C (NM_003319.4); c.71176+12T>C (NM_133437.4); c.70975+12T>C (NM_133432.3); c.90091+12T>C (NM_133378.4).
Identifiers: ClinVar variation 392540 (VCV000392540.10), dbSNP rs759477837, ClinGen allele CA1986492.

ClinVar aggregate classification (germline): Likely benign. Review status: criteria provided, multiple submitters, no conflicts (2 of 4 stars). 3 submissions from 3 submitters: Likely benign (3). Last evaluated 2026-01-31.

Conditions:
Autosomal recessive limb-girdle muscular dystrophy type 2J (LGMDR10). Also called: Limb-girdle muscular dystrophy, type 2J; MUSCULAR DYSTROPHY, LIMB-GIRDLE, AUTOSOMAL RECESSIVE 10. Identifiers: Orphanet 140922, MedGen C1837342, MONDO:0012127, OMIM 608807.
Dilated cardiomyopathy 1G (CMD1G). Identifiers: Orphanet 154, MedGen C1858763, MONDO:0011400, OMIM 604145.

Allele frequency attached by ClinVar (database versions not stated): ExAC below 0.00001; gnomAD exomes 0.00003 and 0.00006; gnomAD 0.00004; TOPMed 0.00004.
gnomAD v4.1: 41 of 1,477,084 alleles (0.0028%); highest among the groups gnomAD compares: Admixed American, 0.018%; no homozygotes.

Submissions (3):

Labcorp Genetics (formerly Invitae), Labcorp
Classification: Likely benign for Dilated cardiomyopathy 1G; Autosomal recessive limb-girdle muscular dystrophy type 2J. Last evaluated: 2026-01-31. Review status: criteria provided, single submitter. Criteria: Invitae Variant Classification Sherloc (09022015). Collection method: clinical testing. Allele origin: germline.

Women's Health and Genetics/Laboratory Corporation of America, LabCorp
Classification: Likely benign. Last evaluated: 2023-08-19. Review status: criteria provided, single submitter. Criteria: LabCorp Variant Classification Summary - May 2015. Collection method: clinical testing. Allele origin: germline.

GeneDx
Classification: Likely benign. Last evaluated: 2017-08-25. Review status: criteria provided, single submitter. Criteria: GeneDx Variant Classification (06012015). Collection method: clinical testing. Allele origin: germline. Affected: yes.
Comment: This variant is considered likely benign or benign based on one or more of the following criteria: it is a conservative change, it occurs at a poorly conserved position in the protein, it is predicted to be benign by multiple in silico algorithms, and/or has population frequency not consistent with disease.